The following is an entry in ClinVar:

NM_004738.5(VAPB):c.*5005T>A

Gene: VAPB (VAMP associated protein B and C; plus strand). Cytogenetic location: 20q13.32.
Variant type: single nucleotide variant.
Coding change: c.*5005T>A on transcript NM_004738.5 (MANE Select); 5005 bases downstream of the stop codon, T replaced by A.
Molecular consequence: 3 prime UTR variant. On other transcripts: non-coding transcript variant (1).
Genome position (GRCh38, 1-based): chr20:58,449,240, T>A. VCF-style: chr20-58449240-T-A. GRCh37 (hg19) VCF-style: chr20-57024296-T-A.
Other names: c.*5075T>A (NM_001195677.2).
Identifiers: ClinVar variation 895255 (VCV000895255.5), dbSNP rs146687585, ClinGen allele CA9924610.

ClinVar aggregate classification (germline): Benign/Likely benign. Review status: criteria provided, single submitter (1 of 4 stars). 2 submissions from 1 submitter: Benign (1); Likely benign (1). Last evaluated 2018-01-12.

Conditions:
Adult-onset proximal spinal muscular atrophy, autosomal dominant. Also called: Spinal muscular atrophy, late-onset, finkel type; FINKEL LATE-ADULT TYPE SMA. Identifiers: Orphanet 209335, MedGen C1854058, MONDO:0008453, OMIM 182980.
Amyotrophic lateral sclerosis type 8 (ALS8). Identifiers: Orphanet 803, MedGen C1837728, MONDO:0012077, OMIM 608627.

Allele frequency attached by ClinVar (database versions not stated): ExAC below 0.00001; gnomAD exomes 0.00017 and 0.00027; TOPMed 0.00159; 1000 Genomes Project 30x 0.00187; 1000 Genomes Project 0.00200.
gnomAD v4.1: 280 of 454,148 alleles (0.062%); highest among the groups gnomAD compares: African/African-American, 0.48%; no homozygotes.

Submissions (2):

Illumina Laboratory Services, Illumina
Classification: Benign for Amyotrophic lateral sclerosis type 8. Last evaluated: 2018-01-12. Review status: criteria provided, single submitter. Criteria: ICSL Variant Classification Criteria 13 December 2019. Collection method: clinical testing. Allele origin: germline.
Comment: This variant was observed in the ICSL laboratory as part of a predisposition screen in an ostensibly healthy population. It had not been previously curated by ICSL or reported in the Human Gene Mutation Database (HGMD: prior to June 1st, 2018), and was therefore a candidate for classification through an automated scoring system. Utilizing variant allele frequency, disease prevalence and penetrance estimates, and inheritance mode, an automated score was calculated to assess if this variant is too frequent to cause the disease. Based on the score and internal cut-off values, a variant classified as benign is not then subjected to further curation. The score for this variant resulted in a classification of benign for this disease.

Illumina Laboratory Services, Illumina
Classification: Likely benign for Adult-onset proximal spinal muscular atrophy, autosomal dominant. Last evaluated: 2018-01-12. Review status: criteria provided, single submitter. Criteria: ICSL Variant Classification Criteria 13 December 2019. Collection method: clinical testing. Allele origin: germline.
Comment: This variant was observed in the ICSL laboratory as part of a predisposition screen in an ostensibly healthy population. It had not been previously curated by ICSL or reported in the Human Gene Mutation Database (HGMD: prior to June 1st, 2018), and was therefore a candidate for classification through an automated scoring system. Utilizing variant allele frequency, disease prevalence and penetrance estimates, and inheritance mode, an automated score was calculated to assess if this variant is too frequent to cause the disease. Based on the score and internal cut-off values, a variant classified as likely benign is not then subjected to further curation. The score for this variant resulted in a classification of likely benign for this disease.